The following is an entry in ClinVar:

NM_024649.5(BBS1):c.1401C>G (p.Tyr467Ter)

Genes: BBS1 (Bardet-Biedl syndrome 1; plus strand), ZDHHC24 (zDHHC palmitoyltransferase 24; minus strand). Cytogenetic location: 11q13.2.
Variant type: single nucleotide variant.
Coding change: c.1401C>G on transcript NM_024649.5 (MANE Select); coding-DNA position 1401, C replaced by G.
Protein change: p.Tyr467Ter; replaces tyrosine 467 with a stop codon.
Molecular consequence: nonsense. On other transcripts: intron variant (1).
Genome position (GRCh38, 1-based): chr11:66,529,880, C>G. VCF-style: chr11-66529880-C-G. GRCh37 (hg19) VCF-style: chr11-66297351-C-G.
Other names: c.560-392G>C (NM_001348571.2); short protein forms Y467*.
Identifiers: ClinVar variation 2030272 (VCV002030272.7), dbSNP rs2495830435, ClinGen allele CA381423973.

ClinVar aggregate classification (germline): Pathogenic/Likely pathogenic. Review status: criteria provided, multiple submitters, no conflicts (2 of 4 stars). 3 submissions from 3 submitters: Pathogenic (2); Likely pathogenic (1). Last evaluated 2024-02-14.

Conditions:
Bardet-Biedl syndrome 1 (BBS1). Identifiers: MedGen C2936862, MONDO:0008854, OMIM 209900. Disease mechanism: loss of function.
Bardet-Biedl syndrome (BBS). Identifiers: Orphanet 110, MedGen C0752166, MONDO:0015229.

gnomAD v4.1: 2 of 1,609,796 alleles (0.00012%); highest among the groups gnomAD compares: Non-Finnish European, 0.00017%; no homozygotes.

Submissions (3):

Myriad Genetics, Inc.
Classification: Pathogenic for Bardet-Biedl syndrome 1. Last evaluated: 2024-02-14. Review status: criteria provided, single submitter. Criteria: Myriad Autosomal Dominant, Autosomal Recessive and X-Linked Classification Criteria (2023). Collection method: clinical testing. Allele origin: unknown.
Comment: NM_024649.4(BBS1):c.1401C>G(Y467*) is expected to be pathogenic in the context of Bardet-Biedl syndrome, BBS1-related. This variant is predicted to lead to an abnormal or absent protein product due to the creation of a premature termination codon in BBS1, a gene where loss-of-function variants are known to be pathogenic. Please note: this variant was assessed in the context of healthy population screening.

Labcorp Genetics (formerly Invitae), Labcorp
Classification: Pathogenic for Bardet-Biedl syndrome. Last evaluated: 2022-09-23. Review status: criteria provided, single submitter. Criteria: Invitae Variant Classification Sherloc (09022015). Collection method: clinical testing. Allele origin: germline.
Comment: This sequence change creates a premature translational stop signal (p.Tyr467*) in the BBS1 gene. It is expected to result in an absent or disrupted protein product. Loss-of-function variants in BBS1 are known to be pathogenic (PMID: 12118255, 21520335, 27032803). This variant is not present in population databases (gnomAD no frequency). This variant has not been reported in the literature in individuals affected with BBS1-related conditions. For these reasons, this variant has been classified as Pathogenic.

DNA-diagnostics Laboratory, Research Centre For Medical Genetics
Classification: Likely pathogenic for Bardet-Biedl syndrome 1. Review status: criteria provided, single submitter. Criteria: ACMG Guidelines, 2015. Collection method: clinical testing. Allele origin: germline. Affected: yes. Observed: 1 compound heterozygote.

Literature cited by the submitters: PubMed 12118255 (cited by Labcorp Genetics (formerly Invitae), Labcorp); PubMed 21520335 (cited by Labcorp Genetics (formerly Invitae), Labcorp); PubMed 27032803 (cited by Labcorp Genetics (formerly Invitae), Labcorp).